The following is an entry in ClinVar:

NM_001177701.3(IFT27):c.245C>T (p.Pro82Leu)

Genes: CACNG2-DT (CACNG2 divergent transcript; plus strand), IFT27 (intraflagellar transport 27; minus strand). Cytogenetic location: 22q12.3.
Variant type: single nucleotide variant.
Coding change: c.245C>T on transcript NM_001177701.3 (MANE Select); coding-DNA position 245, C replaced by T.
Protein change: p.Pro82Leu; replaces proline 82 with leucine.
Molecular consequence: missense variant.
Genome position (GRCh38, 1-based): chr22:36,764,026, G>A on the plus strand (C>T on the coding strand, the complement: IFT27 is on the minus strand). VCF-style: chr22-36764026-G-A. GRCh37 (hg19) VCF-style: chr22-37160070-G-A.
Other names: c.245C>T (NM_001177701.1); c.245C>T, p.Pro82Leu (NM_001363003.2); c.242C>T, p.Pro81Leu (NM_006860.5); c.242C>T (NM_006860.4); short protein forms P81L, P82L.
Identifiers: ClinVar variation 1026719 (VCV001026719.8), dbSNP rs140877667, ClinGen allele CA10212424.
Genomic context (GRCh38, chr22:36,764,026, plus strand): 5'-TTGCTGCAGTTGTTGAAGGATTCTTCATTGGTCACATCATAGACGAGACATAAGACATTG[G>A]GACTCTCCCACTGTGCAAGAGGGACAGGATGAGTATGGGTCAGTAACAGGAAAAGTGACT-3'
Protein context (NP_001171172.1, residues 72-92): SEMLDKLWES[Pro82Leu]NVLCLVYDVT

ClinVar aggregate classification (germline): Uncertain significance. Review status: criteria provided, multiple submitters, no conflicts (2 of 4 stars). 4 submissions from 4 submitters: Uncertain significance (3). 1 of the submissions does not count toward it. Last evaluated 2025-03-22.

Conditions:
IFT27-related disorder. Also called: IFT27-related condition.
Inborn genetic diseases. Identifiers: MedGen C0950123, MeSH D030342.

Allele frequency attached by ClinVar (database versions not stated): gnomAD exomes 0.00002 and 0.00007; ExAC 0.00003; gnomAD 0.00006; TOPMed 0.00007; ESP Exome Variant Server 0.00008.
gnomAD v4.1: 107 of 1,611,736 alleles (0.0066%); highest among the groups gnomAD compares: Non-Finnish European, 0.0089%; no homozygotes.

Submissions (4):

Ambry Genetics
Classification: Uncertain significance for Inborn genetic diseases. Last evaluated: 2025-03-22. Review status: criteria provided, single submitter. Criteria: Ambry Variant Classification Scheme 2023. Collection method: clinical testing. Allele origin: germline.

Blueprint Genetics
Classification: Uncertain significance. Last evaluated: 2024-08-07. Review status: criteria provided, single submitter. Criteria: ACMG Guidelines, 2015. Collection method: clinical testing. Allele origin: germline.

Labcorp Genetics (formerly Invitae), Labcorp
Classification: Uncertain significance. Last evaluated: 2022-08-09. Review status: criteria provided, single submitter. Criteria: Invitae Variant Classification Sherloc (09022015). Collection method: clinical testing. Allele origin: germline.
Comment: This sequence change replaces proline, which is neutral and non-polar, with leucine, which is neutral and non-polar, at codon 81 of the IFT27 protein (p.Pro81Leu). In summary, the available evidence is currently insufficient to determine the role of this variant in disease. Therefore, it has been classified as a Variant of Uncertain Significance. Advanced modeling of protein sequence and biophysical properties (such as structural, functional, and spatial information, amino acid conservation, physicochemical variation, residue mobility, and thermodynamic stability) performed at Invitae indicates that this missense variant is expected to disrupt IFT27 protein function. ClinVar contains an entry for this variant (Variation ID: 1026719). This variant has not been reported in the literature in individuals affected with IFT27-related conditions. This variant is present in population databases (rs140877667, gnomAD 0.005%).

PreventionGenetics, part of Exact Sciences
Classification: Uncertain significance for IFT27-related condition. Last evaluated: 2024-01-03. Review status: no assertion criteria provided. Collection method: clinical testing. Allele origin: germline. Not counted in ClinVar's aggregate classification.
Comment: The IFT27 c.242C>T variant is predicted to result in the amino acid substitution p.Pro81Leu. To our knowledge, this variant has not been reported in the literature. This variant is reported in 0.0054% of alleles in individuals of European (Non-Finnish) descent in gnomAD. At this time, the clinical significance of this variant is uncertain due to the absence of conclusive functional and genetic evidence.